The following is an entry in ClinVar:

NM_001035.3(RYR2):c.12627G>A (p.Ser4209=)

Genes: RYR2 (ryanodine receptor 2; plus strand), LOC126806068 (BRD4-independent group 4 enhancer GRCh37_chr1:237947411-237948610; plus strand). Cytogenetic location: 1q43.
Variant type: single nucleotide variant.
Coding change: c.12627G>A on transcript NM_001035.3 (MANE Select); coding-DNA position 12627, G replaced by A.
Protein change: p.Ser4209=; no amino-acid change (serine 4209 retained).
Molecular consequence: synonymous variant.
Genome position (GRCh38, 1-based): chr1:237,784,339, G>A. VCF-style: chr1-237784339-G-A. GRCh37 (hg19) VCF-style: chr1-237947639-G-A.
Other names: c.12627G>A, p.Ser4209= (LRG_402t1).
Identifiers: ClinVar variation 263346 (VCV000263346.24), dbSNP rs3753631, ClinGen allele CA085204.

ClinVar aggregate classification (germline): Conflicting classifications of pathogenicity. Review status: criteria provided, conflicting classifications (1 of 4 stars). 6 submissions from 5 submitters: Uncertain significance (1); Likely benign (5). Last evaluated 2025-08-26.

Conditions:
Cardiovascular phenotype. Identifiers: MedGen CN230736.
Catecholaminergic polymorphic ventricular tachycardia (CVPT). Also called: Catecholamine-induced polymorphic ventricular tachycardia. Identifiers: Orphanet 3286, MedGen C5574922, MONDO:0017990.
Cardiomyopathy (CMYO). Also called: Cardiomyopathies. Identifiers: Orphanet 167848, MedGen C0878544, MONDO:0004994, HP:0001638. Inheritance: Various modes of inheritance.
Catecholaminergic polymorphic ventricular tachycardia 1. Also called: VENTRICULAR TACHYCARDIA, STRESS-INDUCED POLYMORPHIC 1; VENTRICULAR TACHYCARDIA, CATECHOLAMINERGIC POLYMORPHIC, 1, WITH OR WITHOUT ATRIAL DYSFUNCTION AND/OR DILATED CARDIOMYOPATHY; RYR2-Related Catecholaminergic Polymorphic Ventricular Tachycardia. Identifiers: Orphanet 3286, MedGen C1631597, MONDO:0011484, OMIM 604772.
Arrhythmogenic right ventricular dysplasia 2. Identifiers: MedGen C1832931.

Allele frequency attached by ClinVar (database versions not stated): gnomAD 0.00001; TOPMed 0.00004; 1000 Genomes Project 30x 0.00016; 1000 Genomes Project 0.00020.
gnomAD v4.1: 87 of 1,613,876 alleles (0.0054%); highest among the groups gnomAD compares: East Asian, 0.19%; no homozygotes.

Submissions (6):

Labcorp Genetics (formerly Invitae), Labcorp
Classification: Likely benign for Catecholaminergic polymorphic ventricular tachycardia 1. Last evaluated: 2025-08-26. Review status: criteria provided, single submitter. Criteria: Invitae Variant Classification Sherloc (09022015). Collection method: clinical testing. Allele origin: germline.

All of Us Research Program, National Institutes of Health
Classification: Likely benign for Catecholaminergic polymorphic ventricular tachycardia. Last evaluated: 2023-10-02. Review status: criteria provided, single submitter. Criteria: ACMG Guidelines, 2015. Collection method: clinical testing. Allele origin: germline. Inheritance: Autosomal dominant inheritance. Observed: 3 variant alleles, 3 heterozygotes.
Comment: This study involves interpretation of variants in research participants for the purpose of population health screening. Participant phenotype was not available at the time of variant classification. Additional details can be found in publication PMID: 35346344, PMCID: PMC8962531

Ambry Genetics
Classification: Likely benign for Cardiovascular phenotype. Last evaluated: 2023-02-12. Review status: criteria provided, single submitter. Criteria: Ambry Variant Classification Scheme 2023. Collection method: clinical testing. Allele origin: germline.

Color Diagnostics, LLC DBA Color Health
Classification: Likely benign for Cardiomyopathy. Last evaluated: 2018-12-03. Review status: criteria provided, single submitter. Criteria: ACMG Guidelines, 2015. Collection method: clinical testing. Allele origin: germline.

Illumina Laboratory Services, Illumina
Classification: Likely benign for Catecholaminergic polymorphic ventricular tachycardia 1. Last evaluated: 2018-01-13. Review status: criteria provided, single submitter. Criteria: ICSL Variant Classification Criteria 13 December 2019. Collection method: clinical testing. Allele origin: germline.
Comment: This variant was observed in the ICSL laboratory as part of a predisposition screen in an ostensibly healthy population. It had not been previously curated by ICSL or reported in the Human Gene Mutation Database (HGMD: prior to June 1st, 2018), and was therefore a candidate for classification through an automated scoring system. Utilizing variant allele frequency, disease prevalence and penetrance estimates, and inheritance mode, an automated score was calculated to assess if this variant is too frequent to cause the disease. Based on the score and internal cut-off values, a variant classified as likely benign is not then subjected to further curation. The score for this variant resulted in a classification of likely benign for this disease.

Illumina Laboratory Services, Illumina
Classification: Uncertain significance for Catecholaminergic polymorphic ventricular tachycardia 1. Last evaluated: 2018-01-13. Review status: criteria provided, single submitter. Criteria: ICSL Variant Classification Criteria 13 December 2019. Collection method: clinical testing. Allele origin: germline.